The following is an entry in ClinVar:

NM_000283.4(PDE6B):c.2254G>C (p.Asp752His)

Gene: PDE6B (phosphodiesterase 6B; plus strand). Cytogenetic location: 4p16.3.
Variant type: single nucleotide variant.
Coding change: c.2254G>C on transcript NM_000283.4 (MANE Select); coding-DNA position 2254, G replaced by C.
Protein change: p.Asp752His; replaces aspartic acid 752 with histidine.
Molecular consequence: missense variant.
Genome position (GRCh38, 1-based): chr4:665,315, G>C. VCF-style: chr4-665315-G-C. GRCh37 (hg19) VCF-style: chr4-659104-G-C.
Other names: c.2254G>C, p.Asp752His (NM_001145291.2); c.1417G>C, p.Asp473His (NM_001145292.2, NM_001350154.3, NM_001379246.1 and 1 more transcripts); c.1099G>C, p.Asp367His (NM_001350155.3); short protein forms D367H, D473H, D752H.
Identifiers: ClinVar variation 2127613 (VCV002127613.4), dbSNP rs200667817, ClinGen allele CA355920139.
Genomic context (GRCh38, chr4:665,315, plus strand): 5'-GTCGCACTTCTCGTGGCTGCTGAGTTCTGGGAGCAAGGTGACTTGGAAAGGACAGTCTTG[G>C]ATCAGCAGCCCATTGTGAGTGCTGCTTCTGGAACCTTCCACTCCTGAAACGGGTGTTAGA-3'
Protein context (NP_000274.3, residues 742-762): EQGDLERTVL[Asp752His]QQPIPMMDRN

ClinVar aggregate classification (germline): Uncertain significance (1 of 4 stars; one submission).

gnomAD v4.1: 1 of 1,611,686 alleles (0.000062%); highest among the groups gnomAD compares: South Asian, 0.0011%; no homozygotes.

Submission:

Labcorp Genetics (formerly Invitae), Labcorp
Classification: Uncertain significance. Last evaluated: 2022-10-25. Review status: criteria provided, single submitter. Criteria: Invitae Variant Classification Sherloc (09022015). Collection method: clinical testing. Allele origin: germline.
Comment: This sequence change replaces aspartic acid, which is acidic and polar, with histidine, which is basic and polar, at codon 752 of the PDE6B protein (p.Asp752His). This variant is present in population databases (no rsID available, gnomAD 0.003%). This variant has not been reported in the literature in individuals affected with PDE6B-related conditions. Advanced modeling of protein sequence and biophysical properties (such as structural, functional, and spatial information, amino acid conservation, physicochemical variation, residue mobility, and thermodynamic stability) performed at Invitae indicates that this missense variant is not expected to disrupt PDE6B protein function. In summary, the available evidence is currently insufficient to determine the role of this variant in disease. Therefore, it has been classified as a Variant of Uncertain Significance.